The following is an entry in ClinVar:

ClinVar aggregate classification (germline): Uncertain significance (1 of 4 stars; one submission).

gnomAD v4.1: 330 of 1,612,678 alleles (0.02%); highest among the groups gnomAD compares: Non-Finnish European, 0.024%; no homozygotes.

Submission:

Labcorp Genetics (formerly Invitae), Labcorp
Classification: Uncertain significance. Last evaluated: 2025-07-03. Review status: criteria provided, single submitter. Criteria: Invitae Variant Classification Sherloc (09022015). Collection method: clinical testing. Allele origin: germline.
Comment: This sequence change replaces valine, which is neutral and non-polar, with methionine, which is neutral and non-polar, at codon 388 of the SLC22A12 protein (p.Val388Met). This variant is present in population databases (rs146388519, gnomAD 0.03%). This missense change has been observed in individual(s) with clinical features of hypouricemia (PMID: 22194875). An algorithm developed to predict the effect of missense changes on protein structure and function (PolyPhen-2) suggests that this variant is likely to be disruptive. Experimental studies have shown that this missense change does not substantially affect SLC22A12 function (PMID: 22194875). In summary, the available evidence is currently insufficient to determine the role of this variant in disease. Therefore, it has been classified as a Variant of Uncertain Significance.

Literature cited by the submitters: PubMed 22194875.

NM_144585.4(SLC22A12):c.1162G>A (p.Val388Met)

Gene: SLC22A12 (solute carrier family 22 member 12; plus strand). Cytogenetic location: 11q13.1.
Variant type: single nucleotide variant.
Coding change: c.1162G>A on transcript NM_144585.4 (MANE Select); coding-DNA position 1162, G replaced by A.
Protein change: p.Val388Met; replaces valine 388 with methionine.
Molecular consequence: missense variant.
Genome position (GRCh38, 1-based): chr11:64,599,767, G>A. VCF-style: chr11-64599767-G-A. GRCh37 (hg19) VCF-style: chr11-64367239-G-A.
Other names: c.1060G>A, p.Val354Met (NM_001276326.2); c.838G>A, p.Val280Met (NM_001276327.2); c.499G>A, p.Val167Met (NM_153378.3); short protein forms V167M, V280M, V354M, V388M.
Identifiers: ClinVar variation 4811165 (VCV004811165.1).